The following is an entry in ClinVar:

ClinVar aggregate classification (germline): Uncertain significance (1 of 4 stars; one submission).

Conditions:
Neuroblastoma, susceptibility to, 3. Also called: ALK-Related Neuroblastic Tumor Susceptibility. Identifiers: Orphanet 635, MedGen C2751681, MONDO:0013083, OMIM 613014.

Submission:

Labcorp Genetics (formerly Invitae), Labcorp
Classification: Uncertain significance for Neuroblastoma, susceptibility to, 3. Last evaluated: 2019-10-11. Review status: criteria provided, single submitter. Criteria: Invitae Variant Classification Sherloc (09022015). Collection method: clinical testing. Allele origin: germline.
Comment: In summary, the available evidence is currently insufficient to determine the role of this variant in disease. Therefore, it has been classified as a Variant of Uncertain Significance. Experimental studies and prediction algorithms are not available or were not evaluated, and the functional significance of this variant is currently unknown. This variant has not been reported in the literature in individuals with ALK-related conditions. This variant is not present in population databases (ExAC no frequency). This variant, c.934_936del, results in the deletion of 1 amino acid(s) of the ALK protein (p.Ser312del), but otherwise preserves the integrity of the reading frame.

NM_004304.5(ALK):c.934_936del (p.Ser312del)

Gene: ALK (ALK receptor tyrosine kinase; minus strand). Cytogenetic location: 2p23.2.
Variant type: Deletion.
Coding change: c.934_936del on transcript NM_004304.5 (MANE Select); coding-DNA positions 934 to 936, 3 bases deleted (TCT; older notation c.934_936delTCT).
Protein change: p.Ser312del; deletes serine 312.
Molecular consequence: inframe deletion.
Genome position (GRCh38, 1-based): chr2:29,694,866-29,694,868, AGA deleted on the plus strand (TCT on the coding strand, the reverse complement: ALK is on the minus strand); deleting any 3 consecutive bases within chr2:29,694,866-29,694,869 gives the same sequence; the c. name uses the placement nearest the transcript's 3' end. VCF-style (leftmost placement, unchanged base first): chr2-29694865-TAGA-T. GRCh37 (hg19) VCF-style: chr2-29917731-TAGA-T.
Other names: short protein forms S312del.
Identifiers: ClinVar variation 940583 (VCV000940583.9), dbSNP rs1678505254, ClinGen allele CA1139656805.
Genomic context (GRCh38, chr2:29,694,865, plus strand): 5'-CTGGCCCTGACCCACCCAGGACATCACCAGCAGCCTCTCCCTTACCTCTGGGCATCTCCT[TAGA>T]ACGCTCTGCCCCAGGCCCATCCAGCAAGTCCATCTGGGAGGCCTCCTCGGAGGGGATGCG-3'